The following is an entry in ClinVar:

ClinVar aggregate classification (germline): Uncertain significance (1 of 4 stars; one submission).

Allele frequency attached by ClinVar (database versions not stated): gnomAD 0.00004 and 0.00005; gnomAD exomes 0.00004; ExAC 0.00005; TOPMed 0.00005; ESP Exome Variant Server 0.00008; 1000 Genomes Project 0.00020; 1000 Genomes Project 30x 0.00031.
gnomAD v4.1: 38 of 1,599,516 alleles (0.0024%); highest among the groups gnomAD compares: African/African-American, 0.0094%; no homozygotes.

Submission:

Labcorp Genetics (formerly Invitae), Labcorp
Classification: Uncertain significance. Last evaluated: 2024-12-27. Review status: criteria provided, single submitter. Criteria: Invitae Variant Classification Sherloc (09022015). Collection method: clinical testing. Allele origin: germline.
Comment: This sequence change affects codon 2293 of the FBN3 mRNA. It is a 'silent' change, meaning that it does not change the encoded amino acid sequence of the FBN3 protein. It affects a nucleotide within the consensus splice site. This variant is present in population databases (rs201908648, gnomAD 0.02%). This variant has not been reported in the literature in individuals affected with FBN3-related conditions. ClinVar contains an entry for this variant (Variation ID: 1448045). Algorithms developed to predict the effect of sequence changes on RNA splicing suggest that this variant is not likely to affect RNA splicing. In summary, the available evidence is currently insufficient to determine the role of this variant in disease. Therefore, it has been classified as a Variant of Uncertain Significance.

NM_032447.5(FBN3):c.6879C>T (p.His2293=)

Gene: FBN3 (fibrillin 3; minus strand). Cytogenetic location: 19p13.2.
Variant type: single nucleotide variant.
Coding change: c.6879C>T on transcript NM_032447.5 (MANE Select); coding-DNA position 6879, C replaced by T.
Protein change: p.His2293=; no amino-acid change (histidine 2293 retained).
Molecular consequence: synonymous variant.
Genome position (GRCh38, 1-based): chr19:8,086,201, G>A on the plus strand (C>T on the coding strand, the complement: FBN3 is on the minus strand). VCF-style: chr19-8086201-G-A. GRCh37 (hg19) VCF-style: chr19-8151085-G-A.
Other names: c.6879C>T, p.His2293= (NM_001321431.2).
Identifiers: ClinVar variation 1448045 (VCV001448045.6), dbSNP rs201908648, ClinGen allele CA9151087.